The following is an entry in ClinVar:

ClinVar aggregate classification (germline): Uncertain significance (1 of 4 stars; one submission).

Conditions:
Bethlem myopathy 2 (BTHLM2). Identifiers: Orphanet 536516, Orphanet 610, MedGen C4225313, MONDO:0034022, OMIM 616471.
Ullrich congenital muscular dystrophy 2 (UCMD2). Identifiers: Orphanet 75840, MedGen C4225314, MONDO:0014654, OMIM 616470.

Submission:

Labcorp Genetics (formerly Invitae), Labcorp
Classification: Uncertain significance for Bethlem myopathy 2; Ullrich congenital muscular dystrophy 2. Last evaluated: 2022-05-27. Review status: criteria provided, single submitter. Criteria: Invitae Variant Classification Sherloc (09022015). Collection method: clinical testing. Allele origin: germline.
Comment: In summary, the available evidence is currently insufficient to determine the role of this variant in disease. Therefore, it has been classified as a Variant of Uncertain Significance. Algorithms developed to predict the effect of missense changes on protein structure and function are either unavailable or do not agree on the potential impact of this missense change (SIFT: "Deleterious"; PolyPhen-2: "Probably Damaging"; Align-GVGD: "Class C0"). This missense change has been observed in individual(s) with clinical features of autosomal dominant COL12A1-related conditions (Invitae). This variant is not present in population databases (gnomAD no frequency). This sequence change replaces proline, which is neutral and non-polar, with threonine, which is neutral and polar, at codon 2142 of the COL12A1 protein (p.Pro2142Thr).

NM_004370.6(COL12A1):c.6424C>A (p.Pro2142Thr)

Gene: COL12A1 (collagen type XII alpha 1 chain; minus strand). Cytogenetic location: 6q13.
Variant type: single nucleotide variant.
Coding change: c.6424C>A on transcript NM_004370.6 (MANE Select); coding-DNA position 6424, C replaced by A.
Protein change: p.Pro2142Thr; replaces proline 2142 with threonine.
Molecular consequence: missense variant.
Genome position (GRCh38, 1-based): chr6:75,126,387, G>T on the plus strand (C>A on the coding strand, the complement: COL12A1 is on the minus strand). VCF-style: chr6-75126387-G-T. GRCh37 (hg19) VCF-style: chr6-75836103-G-T.
Other names: c.2932C>A, p.Pro978Thr (NM_080645.3); short protein forms P2142T, P978T.
Identifiers: ClinVar variation 1411860 (VCV001411860.8), dbSNP rs1766015017, ClinGen allele CA364730044.